The following is an entry in ClinVar:

ClinVar aggregate classification (germline): Uncertain significance. Review status: criteria provided, multiple submitters, no conflicts (2 of 4 stars). 2 submissions from 2 submitters: Uncertain significance (2). Last evaluated 2024-01-01.

Conditions:
Alpha thalassemia-X-linked intellectual disability syndrome (ATRX). Also called: ALPHA-THALASSEMIA/MENTAL RETARDATION SYNDROME, X-LINKED; ATR, NONDELETION TYPE; ATR-X syndrome; Alpha thalassemia mental retardation syndrome, nondeletion type, X-linked; XLMR hypotonic face syndrome; X-linked alpha-thalassemia-mental retardation syndrome. Identifiers: Orphanet 847, MedGen C1845055, MONDO:0010519, OMIM 301040.
ATRX-related disorder. Also called: ATRX-related condition.

Submissions (2):

Daryl Scott Lab, Baylor College of Medicine
Classification: Uncertain significance for ATRX-related disorder. Last evaluated: 2024-01-01. Review status: criteria provided, single submitter. Criteria: ACMG Guidelines, 2015. Collection method: clinical testing. Allele origin: maternal. Observed: 1 heterozygote.
Comment: PM2, PP1

Labcorp Genetics (formerly Invitae), Labcorp
Classification: Uncertain significance for Alpha thalassemia-X-linked intellectual disability syndrome. Last evaluated: 2020-01-28. Review status: criteria provided, single submitter. Criteria: Invitae Variant Classification Sherloc (09022015). Collection method: clinical testing. Allele origin: germline.
Comment: This variant, c.1904_1918del, results in the deletion of 5 amino acids of the ATRX protein (p.Asp635_Leu639del) but otherwise preserves the integrity of the reading frame. This variant is not present in population databases (ExAC no frequency). This variant has not been reported in the literature in individuals with ATRX-related conditions. Experimental studies and prediction algorithms are not available or were not evaluated for this variant, and the functional significance of the affected amino acid(s) is currently unknown. In summary, the available evidence is currently insufficient to determine the role of this variant in disease. Therefore, it has been classified as a Variant of Uncertain Significance.

NM_000489.6(ATRX):c.1904_1918del (p.Asp635_Leu639del)

Gene: ATRX (ATRX chromatin remodeler; minus strand). Cytogenetic location: Xq21.1.
Variant type: Deletion.
Coding change: c.1904_1918del on transcript NM_000489.6 (MANE Select); coding-DNA positions 1904 to 1918, 15 bases deleted (ATAATGAGCATTTGG).
Protein change: p.Asp635_Leu639del.
Molecular consequence: inframe deletion.
Genome position (GRCh38, 1-based): chrX:77,683,338-77,683,352, CCAAATGCTCATTAT deleted on the plus strand (ATAATGAGCATTTGG on the coding strand, the reverse complement: ATRX is on the minus strand); deleting any 15 consecutive bases within chrX:77,683,338-77,683,353 gives the same sequence; the c. name uses the placement nearest the transcript's 3' end. VCF-style (leftmost placement, unchanged base first): chrX-77683337-ACCAAATGCTCATTAT-A. GRCh37 (hg19) VCF-style: chrX-76938829-ACCAAATGCTCATTAT-A.
Other names: c.1790_1804del, p.Asp597_Leu601del (NM_138270.5).
Identifiers: ClinVar variation 941322 (VCV000941322.11), dbSNP rs2071359110, ClinGen allele CA1139667670.